The following is an entry in ClinVar:

ClinVar aggregate classification (germline): Conflicting classifications of pathogenicity. Review status: criteria provided, conflicting classifications (1 of 4 stars). 4 submissions from 4 submitters: Uncertain significance (3); Likely benign (1). Last evaluated 2024-08-19.

Allele frequency attached by ClinVar (database versions not stated): ExAC 0.00003; TOPMed 0.00003; gnomAD exomes 0.00004; gnomAD 0.00006.
gnomAD v4.1: 79 of 1,613,928 alleles (0.0049%); highest among the groups gnomAD compares: Non-Finnish European, 0.0061%; no homozygotes.

Submissions (4):

Labcorp Genetics (formerly Invitae), Labcorp
Classification: Uncertain significance. Last evaluated: 2024-08-19. Review status: criteria provided, single submitter. Criteria: Invitae Variant Classification Sherloc (09022015). Collection method: clinical testing. Allele origin: germline.
Comment: This sequence change replaces alanine, which is neutral and non-polar, with threonine, which is neutral and polar, at codon 583 of the KARS protein (p.Ala583Thr). This variant is present in population databases (rs571409000, gnomAD 0.01%). This variant has not been reported in the literature in individuals affected with KARS-related conditions. ClinVar contains an entry for this variant (Variation ID: 1327152). Invitae Evidence Modeling of protein sequence and biophysical properties (such as structural, functional, and spatial information, amino acid conservation, physicochemical variation, residue mobility, and thermodynamic stability) indicates that this missense variant is not expected to disrupt KARS protein function with a negative predictive value of 80%. In summary, the available evidence is currently insufficient to determine the role of this variant in disease. Therefore, it has been classified as a Variant of Uncertain Significance.

Ambry Genetics
Classification: Likely benign. Last evaluated: 2023-12-27. Review status: criteria provided, single submitter. Criteria: Ambry Variant Classification Scheme 2023. Collection method: clinical testing. Allele origin: germline.

Blueprint Genetics
Classification: Uncertain significance. Last evaluated: 2021-11-11. Review status: criteria provided, single submitter. Criteria: ACMG Guidelines, 2015. Collection method: clinical testing. Allele origin: germline.

GeneDx
Classification: Uncertain significance. Last evaluated: 2021-06-04. Review status: criteria provided, single submitter. Criteria: GeneDx Variant Classification Process June 2021. Collection method: clinical testing. Allele origin: germline. Affected: yes.
Comment: In silico analysis supports that this missense variant does not alter protein structure/function; Has not been previously published as pathogenic or benign to our knowledge

NM_005548.3(KARS1):c.1663G>A (p.Ala555Thr)

Gene: KARS1 (lysyl-tRNA synthetase 1; minus strand). Cytogenetic location: 16q23.1.
Variant type: single nucleotide variant.
Coding change: c.1663G>A on transcript NM_005548.3 (MANE Select); coding-DNA position 1663, G replaced by A.
Protein change: p.Ala555Thr; replaces alanine 555 with threonine.
Molecular consequence: missense variant.
Genome position (GRCh38, 1-based): chr16:75,628,601, C>T on the plus strand (G>A on the coding strand, the complement: KARS1 is on the minus strand). VCF-style: chr16-75628601-C-T. GRCh37 (hg19) VCF-style: chr16-75662499-C-T.
Other names: c.1747G>A, p.Ala583Thr (NM_001130089.2); c.1195G>A, p.Ala399Thr (NM_001378148.1); short protein forms A399T, A555T, A583T.
Identifiers: ClinVar variation 1327152 (VCV001327152.8), dbSNP rs571409000, ClinGen allele CA8177175.